The following is an entry in ClinVar:

NM_001408.3(CELSR2):c.1330C>T (p.Arg444Trp)

Gene: CELSR2 (cadherin EGF LAG seven-pass G-type receptor 2; plus strand). Cytogenetic location: 1p13.3.
Variant type: single nucleotide variant.
Coding change: c.1330C>T on transcript NM_001408.3 (MANE Select); coding-DNA position 1330, C replaced by T.
Protein change: p.Arg444Trp; replaces arginine 444 with tryptophan.
Molecular consequence: missense variant.
Genome position (GRCh38, 1-based): chr1:109,251,409, C>T. VCF-style: chr1-109251409-C-T. GRCh37 (hg19) VCF-style: chr1-109794031-C-T.
Other names: short protein forms R444W.
Identifiers: ClinVar variation 3142023 (VCV003142023.2), dbSNP rs749186325, ClinGen allele CA986546.

ClinVar aggregate classification (germline): Uncertain significance. Review status: criteria provided, multiple submitters, no conflicts (2 of 4 stars). 2 submissions from 2 submitters: Uncertain significance (2). Last evaluated 2025-03-27.

Allele frequency attached by ClinVar (database versions not stated): TOPMed 0.00001; ExAC 0.00002; gnomAD 0.00002.
gnomAD v4.1: 29 of 1,613,812 alleles (0.0018%); highest among the groups gnomAD compares: South Asian, 0.0033%; no homozygotes.

Submissions (2):

Labcorp Genetics (formerly Invitae), Labcorp
Classification: Uncertain significance. Last evaluated: 2025-03-27. Review status: criteria provided, single submitter. Criteria: Invitae Variant Classification Sherloc (09022015). Collection method: clinical testing. Allele origin: germline.
Comment: This sequence change replaces arginine, which is basic and polar, with tryptophan, which is neutral and slightly polar, at codon 444 of the CELSR2 protein (p.Arg444Trp). This variant is present in population databases (rs749186325, gnomAD 0.004%). This variant has not been reported in the literature in individuals affected with CELSR2-related conditions. ClinVar contains an entry for this variant (Variation ID: 3142023). Invitae Evidence Modeling of protein sequence and biophysical properties (such as structural, functional, and spatial information, amino acid conservation, physicochemical variation, residue mobility, and thermodynamic stability) indicates that this missense variant is expected to disrupt CELSR2 protein function with a positive predictive value of 80%. In summary, the available evidence is currently insufficient to determine the role of this variant in disease. Therefore, it has been classified as a Variant of Uncertain Significance.

Ambry Genetics
Classification: Uncertain significance. Last evaluated: 2023-10-05. Review status: criteria provided, single submitter. Criteria: Ambry Variant Classification Scheme 2023. Collection method: clinical testing. Allele origin: germline.